The following is an entry in ClinVar:

ClinVar aggregate classification (germline): Benign/Likely benign. Review status: criteria provided, multiple submitters, no conflicts (2 of 4 stars). 4 submissions from 4 submitters: Benign (1); Likely benign (2). 1 of the submissions does not count toward it. Last evaluated 2026-02-04.

Conditions:
TCTN1-related disorder. Also called: TCTN1-related condition.
Meckel-Gruber syndrome. Also called: GRUBER SYNDROME; DYSENCEPHALIA SPLANCHNOCYSTICA; Dysencephalia splachnocystica. Identifiers: Orphanet 564, MedGen C0265215, MONDO:0018921.
Joubert syndrome. Also called: JOUBERT-BOLTSHAUSER SYNDROME; Familial aplasia of the vermis. Identifiers: Orphanet 475, MedGen C5979921, MONDO:0018772.
Joubert syndrome 13 (JBTS13). Identifiers: Orphanet 475, MedGen C3280031, MONDO:0013608, OMIM 614173.

Allele frequency attached by ClinVar (database versions not stated): ExAC 0.00104; gnomAD exomes 0.00127 and 0.00042; ESP Exome Variant Server 0.00008; 1000 Genomes Project 30x 0.00281; 1000 Genomes Project 0.00300; gnomAD 0.00046 and 0.00060; TOPMed 0.00067.

Submissions (4):

Labcorp Genetics (formerly Invitae), Labcorp
Classification: Benign for Joubert syndrome; Meckel-Gruber syndrome. Last evaluated: 2026-02-04. Review status: criteria provided, single submitter. Criteria: Invitae Variant Classification Sherloc (09022015). Collection method: clinical testing. Allele origin: germline.

Blueprint Genetics
Classification: Likely benign. Last evaluated: 2024-10-31. Review status: criteria provided, single submitter. Criteria: ACMG Guidelines, 2015. Collection method: clinical testing. Allele origin: germline.

Illumina Laboratory Services, Illumina
Classification: Likely benign for Joubert syndrome 13. Last evaluated: 2018-01-13. Review status: criteria provided, single submitter. Criteria: ICSL Variant Classification Criteria 13 December 2019. Collection method: clinical testing. Allele origin: germline.
Comment: This variant was observed in the ICSL laboratory as part of a predisposition screen in an ostensibly healthy population. It had not been previously curated by ICSL or reported in the Human Gene Mutation Database (HGMD: prior to June 1st, 2018), and was therefore a candidate for classification through an automated scoring system. Utilizing variant allele frequency, disease prevalence and penetrance estimates, and inheritance mode, an automated score was calculated to assess if this variant is too frequent to cause the disease. Based on the score and internal cut-off values, a variant classified as likely benign is not then subjected to further curation. The score for this variant resulted in a classification of likely benign for this disease.

PreventionGenetics, part of Exact Sciences
Classification: Benign for TCTN1-related condition. Last evaluated: 2019-09-19. Review status: no assertion criteria provided. Collection method: clinical testing. Allele origin: germline. Not counted in ClinVar's aggregate classification.
Comment: This variant is classified as benign based on ACMG/AMP sequence variant interpretation guidelines (Richards et al. 2015 PMID: 25741868, with internal and published modifications).

NM_001082538.3(TCTN1):c.327A>G (p.Ser109=)

Gene: TCTN1 (tectonic family member 1; plus strand). Cytogenetic location: 12q24.11.
Variant type: single nucleotide variant.
Coding change: c.327A>G on transcript NM_001082538.3 (MANE Select); coding-DNA position 327, A replaced by G.
Protein change: p.Ser109=; no amino-acid change (serine 109 retained).
Molecular consequence: synonymous variant. On other transcripts: 5 prime UTR variant (1), non-coding transcript variant (1).
Genome position (GRCh38, 1-based): chr12:110,619,942, A>G. VCF-style: chr12-110619942-A-G. GRCh37 (hg19) VCF-style: chr12-111057747-A-G.
Other names: c.327A>G, p.Ser109= (NM_001082537.3, NM_001319680.2, NM_024549.6); c.159A>G, p.Ser53= (NM_001173975.3, NM_001319682.3); c.147A>G, p.Ser49= (NM_001173976.2); c.-381A>G (NM_001319681.2).
Identifiers: ClinVar variation 307205 (VCV000307205.19), dbSNP rs140230455, ClinGen allele CA6786523.